The following is an entry in ClinVar:

ClinVar aggregate classification (germline): Uncertain significance (1 of 4 stars; one submission).

Submission:

Ambry Genetics
Classification: Uncertain significance. Last evaluated: 2025-08-05. Review status: criteria provided, single submitter. Criteria: Ambry Variant Classification Scheme 2023. Collection method: clinical testing. Allele origin: germline.
Comment: The p.V844M variant (also known as c.2530G>A), located in coding exon 23 of the KIF1B gene, results from a G to A substitution at nucleotide position 2530. The valine at codon 844 is replaced by methionine, an amino acid with highly similar properties. This amino acid position is conserved. In addition, this alteration is predicted to be deleterious by in silico analysis. Based on the available evidence, the clinical significance of this variant remains unclear.

NM_001365951.3(KIF1B):c.2668G>A (p.Val890Met)

Gene: KIF1B (kinesin family member 1B; plus strand). Cytogenetic location: 1p36.22.
Variant type: single nucleotide variant.
Coding change: c.2668G>A on transcript NM_001365951.3 (MANE Select); coding-DNA position 2668, G replaced by A.
Protein change: p.Val890Met; replaces valine 890 with methionine.
Molecular consequence: missense variant.
Genome position (GRCh38, 1-based): chr1:10,324,888, G>A. VCF-style: chr1-10324888-G-A. GRCh37 (hg19) VCF-style: chr1-10384946-G-A.
Other names: c.2668G>A, p.Val890Met (NM_001365952.1); c.2530G>A, p.Val844Met (NM_015074.3); short protein forms V844M, V890M.
Identifiers: ClinVar variation 4092359 (VCV004092359.1).
Genomic context (GRCh38, chr1:10,324,888, plus strand): 5'-AGCGAAACCACTGTGACTGGCAGCGATCCCTTCTATGATCGGTTCCACTGGTTCAAACTT[G>A]TGGGGAGGTATGTGATGATTTTGTTGATGTCTTCTTTTAAAATAATGATTAGTTTTAAGT-3'
Protein context (NP_001352880.1, residues 880-900): FYDRFHWFKL[Val890Met]GSSPIFHGCV